The following is an entry in ClinVar:

NM_020822.3(KCNT1):c.20C>T (p.Ala7Val)

Gene: KCNT1 (potassium sodium-activated channel subfamily T member 1; plus strand). Cytogenetic location: 9q34.3.
Variant type: single nucleotide variant.
Coding change: c.20C>T on transcript NM_020822.3 (MANE Select); coding-DNA position 20, C replaced by T.
Protein change: p.Ala7Val; replaces alanine 7 with valine.
Molecular consequence: missense variant.
Genome position (GRCh38, 1-based): chr9:135,702,278, C>T. VCF-style: chr9-135702278-C-T. GRCh37 (hg19) VCF-style: chr9-138594124-C-T.
Other names: c.20C>T, p.Ala7Val (NM_001272003.2); short protein forms A7V.
Identifiers: ClinVar variation 1364755 (VCV001364755.8), dbSNP rs1044336128, ClinGen allele CA375492521.
Genomic context (GRCh38, chr9:135,702,278, plus strand): 5'-ACTCGCTTCTCCCTCGGGTCGGGTCCGAGCTGCCAGGCCGCATGCCACTCCCTGACGGGG[C>T]GCGGACCCCGGGGGGCGTCTGCCGGGAGGCGCGCGGCGGGGGCTACACCAACCGGACCTT-3'
Protein context (NP_065873.2, residues 1-17): MPLPDG[Ala7Val]RTPGGVCREA

ClinVar aggregate classification (germline): Uncertain significance (1 of 4 stars; one submission).

Conditions:
Autosomal dominant nocturnal frontal lobe epilepsy 5. Also called: CILIARY DYSKINESIA, PRIMARY, 28, WITH SITUS INVERSUS; KCNT1-Related Epilepsy; CILIARY DYSKINESIA, PRIMARY, 28, WITHOUT SITUS INVERSUS; Epilepsy, nocturnal frontal lobe, 5. Identifiers: Orphanet 98784, MedGen C3554306, MONDO:0014002, OMIM 615005.
Developmental and epileptic encephalopathy, 14 (DEE14). Also called: Early infantile epileptic encephalopathy 14. Identifiers: Orphanet 293181, MedGen C3554195, MONDO:0013989, OMIM 614959.

gnomAD v4.1: 1 of 1,608,830 alleles (0.000062%); highest among the groups gnomAD compares: Non-Finnish European, 0.000085%; no homozygotes.

Submission:

Labcorp Genetics (formerly Invitae), Labcorp
Classification: Uncertain significance for Autosomal dominant nocturnal frontal lobe epilepsy 5; Developmental and epileptic encephalopathy, 14. Last evaluated: 2024-09-05. Review status: criteria provided, single submitter. Criteria: Invitae Variant Classification Sherloc (09022015). Collection method: clinical testing. Allele origin: germline.
Comment: This sequence change replaces alanine, which is neutral and non-polar, with valine, which is neutral and non-polar, at codon 7 of the KCNT1 protein (p.Ala7Val). This variant is not present in population databases (gnomAD no frequency). This variant has not been reported in the literature in individuals affected with KCNT1-related conditions. ClinVar contains an entry for this variant (Variation ID: 1364755). Invitae Evidence Modeling of protein sequence and biophysical properties (such as structural, functional, and spatial information, amino acid conservation, physicochemical variation, residue mobility, and thermodynamic stability) indicates that this missense variant is not expected to disrupt KCNT1 protein function with a negative predictive value of 95%. In summary, the available evidence is currently insufficient to determine the role of this variant in disease. Therefore, it has been classified as a Variant of Uncertain Significance.